The following is an entry in ClinVar:

ClinVar aggregate classification (germline): Benign. Review status: criteria provided, multiple submitters, no conflicts (2 of 4 stars). 7 submissions from 7 submitters: Benign (4). 3 of the submissions do not count toward it. Last evaluated 2026-02-04.

Conditions:
Mucopolysaccharidosis type 6 (MPS6). Also called: ARSB DEFICIENCY; ARYLSULFATASE B DEFICIENCY; MPS VI; N-ACETYLGALACTOSAMINE-4-SULFATASE DEFICIENCY; MPS 6; Maroteaux Lamy syndrome. Identifiers: Orphanet 583, MedGen C0026709, MONDO:0009661, OMIM 253200.
ARSB-related disorder. Also called: ARSB-related condition.

Allele frequency attached by ClinVar (database versions not stated): gnomAD exomes 0.00484 and 0.01247; ExAC 0.01568; gnomAD 0.04689 and 0.04998; TOPMed 0.05330; ESP Exome Variant Server 0.05482; 1000 Genomes Project 0.05611; 1000 Genomes Project 30x 0.05762.
gnomAD v4.1: 14,482 of 1,613,940 alleles (0.9%); highest among the groups gnomAD compares: African/African-American, 17%; 1,165 homozygotes.

Submissions (7):

Labcorp Genetics (formerly Invitae), Labcorp
Classification: Benign for Mucopolysaccharidosis type 6. Last evaluated: 2026-02-04. Review status: criteria provided, single submitter. Criteria: Invitae Variant Classification Sherloc (09022015). Collection method: clinical testing. Allele origin: germline.

GeneDx
Classification: Benign. Last evaluated: 2018-06-13. Review status: criteria provided, single submitter. Criteria: GeneDx Variant Classification (06012015). Collection method: clinical testing. Allele origin: germline. Affected: yes.
Comment: This variant is considered likely benign or benign based on one or more of the following criteria: it is a conservative change, it occurs at a poorly conserved position in the protein, it is predicted to be benign by multiple in silico algorithms, and/or has population frequency not consistent with disease.

Illumina Laboratory Services, Illumina
Classification: Benign for Mucopolysaccharidosis type 6. Last evaluated: 2018-01-13. Review status: criteria provided, single submitter. Criteria: ICSL Variant Classification Criteria 13 December 2019. Collection method: clinical testing. Allele origin: germline.
Comment: This variant was observed in the ICSL laboratory as part of a predisposition screen in an ostensibly healthy population. It had not been previously curated by ICSL or reported in the Human Gene Mutation Database (HGMD: prior to June 1st, 2018), and was therefore a candidate for classification through an automated scoring system. Utilizing variant allele frequency, disease prevalence and penetrance estimates, and inheritance mode, an automated score was calculated to assess if this variant is too frequent to cause the disease. Based on the score and internal cut-off values, a variant classified as benign is not then subjected to further curation. The score for this variant resulted in a classification of benign for this disease.

Breakthrough Genomics
Classification: Benign. Review status: criteria provided, single submitter. Criteria: ACMG Guidelines, 2015. Collection method: not provided. Allele origin: germline. Inheritance: Autosomal recessive inheritance. Affected: yes.

Natera, Inc.
Classification: Benign for Mucopolysaccharidosis type VI. Last evaluated: 2020-09-16. Review status: no assertion criteria provided. Collection method: clinical testing. Allele origin: germline. Not counted in ClinVar's aggregate classification.

PreventionGenetics, part of Exact Sciences
Classification: Benign for ARSB-related condition. Last evaluated: 2019-07-01. Review status: no assertion criteria provided. Collection method: clinical testing. Allele origin: germline. Not counted in ClinVar's aggregate classification.
Comment: This variant is classified as benign based on ACMG/AMP sequence variant interpretation guidelines (Richards et al. 2015 PMID: 25741868, with internal and published modifications).

Mayo Clinic Laboratories, Mayo Clinic
Classification: Benign. Last evaluated: 2017-05-16. Review status: no assertion criteria provided. Collection method: clinical testing. Allele origin: unknown. Not counted in ClinVar's aggregate classification.

NM_000046.5(ARSB):c.1362G>A (p.Pro454=)

Gene: ARSB (arylsulfatase B; minus strand). Cytogenetic location: 5q14.1.
Variant type: single nucleotide variant.
Coding change: c.1362G>A on transcript NM_000046.5 (MANE Select); coding-DNA position 1362, G replaced by A.
Protein change: p.Pro454=; no amino-acid change (proline 454 retained).
Molecular consequence: synonymous variant.
Genome position (GRCh38, 1-based): chr5:78,780,637, C>T on the plus strand (G>A on the coding strand, the complement: ARSB is on the minus strand). VCF-style: chr5-78780637-C-T. GRCh37 (hg19) VCF-style: chr5-78076460-C-T.
Identifiers: ClinVar variation 354307 (VCV000354307.22), dbSNP rs35757003, ClinGen allele CA3317995.